The following is an entry in ClinVar:

NM_001034853.2(RPGR):c.2976GGA[1] (p.Glu994del)

Gene: RPGR (retinitis pigmentosa GTPase regulator; minus strand). Cytogenetic location: Xp11.4.
Variant type: Microsatellite.
Coding change: c.2976GGA[1] on transcript NM_001034853.2 (MANE Select); one copy of the 3-base unit GGA starting at c.2976; the reference has two copies in a row; one copy, 3 bases deleted.
Protein change: p.Glu994del; deletes glutamic acid 994.
Molecular consequence: intron variant (on NM_001367249.1).
Genome position (GRCh38, 1-based): chrX:38,286,018-38,286,020, TCC deleted on the plus strand (GGA on the coding strand, the reverse complement: RPGR is on the minus strand); deleting any 3 consecutive bases within chrX:38,286,018-38,286,025 gives the same sequence; the position shown is the placement nearest the transcript's 3' end. VCF-style (leftmost placement, unchanged base first): chrX-38286017-TTCC-T. GRCh37 (hg19) VCF-style: chrX-38145270-TTCC-T.
Other names: c.1569+4939_1569+4941del (NM_001367249.1, NM_001367250.1); c.1902+1074_1902+1076del (NM_001367245.1); c.1386+4939_1386+4941del (NM_001367251.1); c.1719+1074_1719+1076del (NM_001367246.1); c.1572+4939_1572+4941del (NM_001367247.1); c.1905+1074_1905+1076del (NM_000328.3); c.1602+4939_1602+4941del (NM_001367248.1); short protein forms E994del.
Identifiers: ClinVar variation 4803617 (VCV004803617.1).

ClinVar aggregate classification (germline): Uncertain significance (1 of 4 stars; one submission).

Conditions:
Primary ciliary dyskinesia. Also called: Ciliary dyskinesia. Identifiers: Orphanet 244, MedGen C0008780, MONDO:0016575, HP:0012265.

Submission:

Labcorp Genetics (formerly Invitae), Labcorp
Classification: Uncertain significance for Primary ciliary dyskinesia. Last evaluated: 2025-03-04. Review status: criteria provided, single submitter. Criteria: Invitae Variant Classification Sherloc (09022015). Collection method: clinical testing. Allele origin: germline.
Comment: This variant, c.2979_2981del, results in the deletion of 1 amino acid(s) of the RPGR (ORF15) protein (p.Glu994del), but otherwise preserves the integrity of the reading frame. The frequency data for this variant in the population databases is considered unreliable, as metrics indicate poor data quality at this position in the gnomAD database. This variant has not been reported in the literature in individuals affected with RPGR (ORF15)-related conditions. Experimental studies and prediction algorithms are not available or were not evaluated, and the functional significance of this variant is currently unknown. In summary, the available evidence is currently insufficient to determine the role of this variant in disease. Therefore, it has been classified as a Variant of Uncertain Significance.